The following is an entry in ClinVar:

NM_001395513.1(TMPRSS9):c.950del (p.Leu317fs)

Gene: TMPRSS9 (transmembrane serine protease 9; plus strand). Cytogenetic location: 19p13.3.
Variant type: Deletion.
Coding change: c.950del on transcript NM_001395513.1 (MANE Select); coding-DNA position 950, one base deleted (T; older notation c.950delT).
Protein change: p.Leu317fs; shifts the reading frame from leucine 317.
Molecular consequence: frameshift variant.
Genome position (GRCh38, 1-based): chr19:2,408,463, T deleted. VCF-style (leftmost placement, unchanged base first): chr19-2408462-CT-C. GRCh37 (hg19) VCF-style: chr19-2408460-CT-C.
Other names: c.254del, p.Leu85fs (NM_001385642.1); c.848del, p.Leu283fs (NM_182973.3); short protein forms L317fs, L85fs, L283fs.
Identifiers: ClinVar variation 4293193 (VCV004293193.1).

ClinVar aggregate classification (germline): Likely pathogenic (1 of 4 stars; one submission).

Conditions:
TMPRSS9-related neurodevelopmental disorder.

Submission:

3billion
Classification: Likely pathogenic for TMPRSS9-related neurodevelopmental disorder. Last evaluated: 2024-08-29. Review status: criteria provided, single submitter. Criteria: ACMG Guidelines, 2015. Collection method: clinical testing. Allele origin: germline. Affected: yes.
Comment: The variant is observed at an extremely low frequency in the gnomAD v4.0.0 dataset (total allele frequency: <0.001%). Predicted Consequence/Location: Frameshift: predicted to result in a loss or disruption of normal protein function through nonsense-mediated decay (NMD) or protein truncation. Multiple pathogenic variants are reported downstream of the variant. Therefore, this variant is classified as Likely pathogenic according to the recommendation of ACMG/AMP guideline.